The following is an entry in ClinVar:

NM_002109.6(HARS1):c.207G>C (p.Gln69His)

Gene: HARS1 (histidyl-tRNA synthetase 1; minus strand). Cytogenetic location: 5q31.3.
Variant type: single nucleotide variant.
Coding change: c.207G>C on transcript NM_002109.6 (MANE Select); coding-DNA position 207, G replaced by C.
Protein change: p.Gln69His; replaces glutamine 69 with histidine.
Molecular consequence: missense variant. On other transcripts: intron variant (3).
Genome position (GRCh38, 1-based): chr5:140,683,193, C>G on the plus strand (G>C on the coding strand, the complement: HARS1 is on the minus strand). VCF-style: chr5-140683193-C-G. GRCh37 (hg19) VCF-style: chr5-140062778-C-G.
Other names: c.207G>C, p.Gln69His (NM_001258041.3, NM_001289092.2); c.120G>C, p.Gln40His (NM_001289094.2); c.181-5178G>C (NM_001289093.2); c.181-3310G>C (NM_001258042.3, NM_001258040.3); short protein forms Q40H, Q69H.
Identifiers: ClinVar variation 1680364 (VCV001680364.6), dbSNP rs1758823982, ClinGen allele CA361259298.

ClinVar aggregate classification (germline): Uncertain significance (1 of 4 stars; one submission).

Conditions:
Usher syndrome type 3B. Also called: USHER SYNDROME, TYPE IIIB. Identifiers: MedGen C3281066, MONDO:0013788, OMIM 614504.

Allele frequency attached by ClinVar (database versions not stated): TOPMed below 0.00001; gnomAD exomes 0.00001.
gnomAD v4.1: 6 of 1,614,012 alleles (0.00037%); highest among the groups gnomAD compares: Non-Finnish European, 0.00051%; no homozygotes.

Submission:

Labcorp Genetics (formerly Invitae), Labcorp
Classification: Uncertain significance for Usher syndrome type 3B. Last evaluated: 2024-08-11. Review status: criteria provided, single submitter. Criteria: Invitae Variant Classification Sherloc (09022015). Collection method: clinical testing. Allele origin: germline.
Comment: This sequence change replaces glutamine, which is neutral and polar, with histidine, which is basic and polar, at codon 69 of the HARS protein (p.Gln69His). This variant is not present in population databases (gnomAD no frequency). This variant has not been reported in the literature in individuals affected with HARS-related conditions. ClinVar contains an entry for this variant (Variation ID: 1680364). An algorithm developed to predict the effect of missense changes on protein structure and function (PolyPhen-2) suggests that this variant is likely to be tolerated. In summary, the available evidence is currently insufficient to determine the role of this variant in disease. Therefore, it has been classified as a Variant of Uncertain Significance.